The following is an entry in ClinVar:

ClinVar aggregate classification (germline): Uncertain significance. Review status: criteria provided, multiple submitters, no conflicts (2 of 4 stars). 2 submissions from 2 submitters: Uncertain significance (2). Last evaluated 2021-10-29.

Conditions:
Familial hypocalciuric hypercalcemia (FHH). Also called: Familial benign hypercalcemia. Identifiers: Orphanet 405, MedGen C1809471, MONDO:0018458.
Autosomal dominant hypocalcemia 1 (HYPOC1). Also called: HYPOCALCEMIA, FAMILIAL. Identifiers: MedGen C3715128, MONDO:0011013, OMIM 601198.
Nephrolithiasis/nephrocalcinosis. Identifiers: MedGen CN580796.

Submissions (2):

Labcorp Genetics (formerly Invitae), Labcorp
Classification: Uncertain significance for Familial hypocalciuric hypercalcemia; Autosomal dominant hypocalcemia 1. Last evaluated: 2021-10-29. Review status: criteria provided, single submitter. Criteria: Invitae Variant Classification Sherloc (09022015). Collection method: clinical testing. Allele origin: germline.
Comment: In summary, the available evidence is currently insufficient to determine the role of this variant in disease. Therefore, it has been classified as a Variant of Uncertain Significance. Algorithms developed to predict the effect of missense changes on protein structure and function (SIFT, PolyPhen-2, Align-GVGD) all suggest that this variant is likely to be tolerated. This variant has not been reported in the literature in individuals affected with CASR-related conditions. This variant is not present in population databases (gnomAD no frequency). This sequence change replaces isoleucine, which is neutral and non-polar, with valine, which is neutral and non-polar, at codon 669 of the CASR protein (p.Ile669Val).

Ambry Genetics
Classification: Uncertain significance for Nephrolithiasis/nephrocalcinosis. Last evaluated: 2021-10-04. Review status: criteria provided, single submitter. Criteria: Ambry Variant Classification Scheme 2023. Collection method: clinical testing. Allele origin: germline.
Comment: The p.I669V variant (also known as c.2005A>G), located in coding exon 6 of the CASR gene, results from an A to G substitution at nucleotide position 2005. The isoleucine at codon 669 is replaced by valine, an amino acid with highly similar properties. This amino acid position is conserved. In addition, the in silico prediction for this alteration is inconclusive. Since supporting evidence is limited at this time, the clinical significance of this alteration remains unclear.

NM_000388.4(CASR):c.2005A>G (p.Ile669Val)

Gene: CASR (calcium sensing receptor; plus strand). Cytogenetic location: 3q21.1.
Variant type: single nucleotide variant.
Coding change: c.2005A>G on transcript NM_000388.4 (MANE Select); coding-DNA position 2005, A replaced by G.
Protein change: p.Ile669Val; replaces isoleucine 669 with valine.
Molecular consequence: missense variant.
Genome position (GRCh38, 1-based): chr3:122,283,959, A>G. VCF-style: chr3-122283959-A-G. GRCh37 (hg19) VCF-style: chr3-122002806-A-G.
Other names: c.2035A>G, p.Ile679Val (NM_001178065.2); short protein forms I679V, I669V.
Identifiers: ClinVar variation 1406474 (VCV001406474.8), dbSNP rs1576877284, ClinGen allele CA354158287.